The following is an entry in ClinVar:

NM_015909.4(NBAS):c.3282T>C (p.His1094=)

Gene: NBAS (NBAS subunit of NRZ tethering complex; minus strand). Cytogenetic location: 2p24.3.
Variant type: single nucleotide variant.
Coding change: c.3282T>C on transcript NM_015909.4 (MANE Select); coding-DNA position 3282, T replaced by C.
Protein change: p.His1094=; no amino-acid change (histidine 1094 retained).
Molecular consequence: synonymous variant. On other transcripts: non-coding transcript variant (1).
Genome position (GRCh38, 1-based): chr2:15,383,293, A>G on the plus strand (T>C on the coding strand, the complement: NBAS is on the minus strand). VCF-style: chr2-15383293-A-G. GRCh37 (hg19) VCF-style: chr2-15523417-A-G.
Other names: p.His1094=.
Identifiers: ClinVar variation 791849 (VCV000791849.39), dbSNP rs139891797, ClinGen allele CA1536073.

ClinVar aggregate classification (germline): Benign/Likely benign. Review status: criteria provided, multiple submitters, no conflicts (2 of 4 stars). 8 submissions from 8 submitters: Benign (2); Likely benign (3). 3 of the submissions do not count toward it. Last evaluated 2026-05-01.

Allele frequency attached by ClinVar (database versions not stated): gnomAD exomes 0.00172 and 0.00200; ExAC 0.00214; gnomAD 0.00397 and 0.00418; ESP Exome Variant Server 0.00431; TOPMed 0.00436; 1000 Genomes Project 0.00439; 1000 Genomes Project 30x 0.00468.
gnomAD v4.1: 3,165 of 1,614,032 alleles (0.2%); highest among the groups gnomAD compares: Middle Eastern, 1.3%; 13 homozygotes.

Submissions (8):

CeGaT Center for Human Genetics Tuebingen
Classification: Likely benign. Last evaluated: 2026-05-01. Review status: criteria provided, single submitter. Criteria: CeGaT Center For Human Genetics Tuebingen Variant Classification Criteria Version 2. Collection method: clinical testing. Allele origin: germline. Affected: yes. Observed: 7 variant alleles.
Comment: NBAS: BP4, BP7, BS1

Labcorp Genetics (formerly Invitae), Labcorp
Classification: Benign. Last evaluated: 2026-02-04. Review status: criteria provided, single submitter. Criteria: Invitae Variant Classification Sherloc (09022015). Collection method: clinical testing. Allele origin: germline.

Mayo Clinic Laboratories, Mayo Clinic
Classification: Likely benign. Last evaluated: 2025-08-15. Review status: criteria provided, single submitter. Criteria: ACMG Guidelines, 2015. Collection method: clinical testing. Allele origin: germline. Observed: 2 variant alleles.
Comment: BS1, BS2, BP4, BP7

Blueprint Genetics
Classification: Likely benign. Last evaluated: 2024-11-13. Review status: criteria provided, single submitter. Criteria: ACMG Guidelines, 2015. Collection method: clinical testing. Allele origin: germline.

Breakthrough Genomics
Classification: Benign. Review status: criteria provided, single submitter. Criteria: ACMG Guidelines, 2015. Collection method: not provided. Allele origin: germline. Inheritance: Autosomal recessive inheritance. Affected: yes.

Clinical Genetics, Academic Medical Center
Classification: Likely benign. Review status: no assertion criteria provided. Collection method: clinical testing. Allele origin: germline. Affected: yes. Study: VKGL Data-share Consensus. Not counted in ClinVar's aggregate classification.

Genome Diagnostics Laboratory, Amsterdam University Medical Center
Classification: Benign. Review status: no assertion criteria provided. Collection method: clinical testing. Allele origin: germline. Affected: yes. Study: VKGL Data-share Consensus. Not counted in ClinVar's aggregate classification.

Genome Diagnostics Laboratory, University Medical Center Utrecht
Classification: Likely benign. Review status: no assertion criteria provided. Collection method: clinical testing. Allele origin: germline. Affected: yes. Study: VKGL Data-share Consensus. Not counted in ClinVar's aggregate classification.